The following is an entry in ClinVar:

NC_000001.10:g.(?_3313055)_(3313157_?)del

Gene: PRDM16 (PR/SET domain 16; plus strand). Cytogenetic location: 1p36.32.
Variant type: Deletion.
Identifiers: ClinVar variation 1120094 (VCV001120094.4).

ClinVar aggregate classification (germline): Uncertain significance (1 of 4 stars; one submission).

Submission:

Laboratory for Molecular Medicine, Mass General Brigham Personalized Medicine
Classification: Uncertain significance. Last evaluated: 2020-12-03. Review status: criteria provided, single submitter. Criteria: LMM Criteria. Collection method: clinical testing. Allele origin: germline. Observed: 1 variant allele.
Comment: This PRDM16 variant is a deletion encompassing exons 5, though it should be noted that its exact breakpoints cannot be determined due to limitations of the testing methodology. This variant has not been previously reported in individuals with PRDM16-associated conditions and nor in large population studies. This deletion is predicted alter the reading frame leading to a truncated or absent protein. The spectrum of pathogenic variants in this gene is not well characterized and therefore, it is unclear if loss of function variants cause disease. Additionally, there is limited evidence to support a role for PRDM16 in autosomal dominant dilated cardiomyopathy (DCM) and left ventricular noncompaction (LVNC). In summary, the clinical significance of this variant is uncertain. ACMG/AMP Criteria applied: PM2_Supporting.